The following is an entry in ClinVar:

NM_182972.3(IRF2BP2):c.1031C>A (p.Ala344Asp)

Genes: IRF2BP2 (interferon regulatory factor 2 binding protein 2; minus strand), LOC129932810 (ATAC-STARR-seq lymphoblastoid active region 2760; plus strand). Cytogenetic location: 1q42.3.
Variant type: single nucleotide variant.
Coding change: c.1031C>A on transcript NM_182972.3 (MANE Select); coding-DNA position 1031, C replaced by A.
Protein change: p.Ala344Asp; replaces alanine 344 with aspartic acid.
Molecular consequence: missense variant. On other transcripts: intron variant (1).
Genome position (GRCh38, 1-based): chr1:234,608,464, G>T on the plus strand (C>A on the coding strand, the complement: IRF2BP2 is on the minus strand). VCF-style: chr1-234608464-G-T. GRCh37 (hg19) VCF-style: chr1-234744210-G-T.
Other names: c.1000+31C>A (NM_001077397.1); short protein forms A344D.
Identifiers: ClinVar variation 4736750 (VCV004736750.1).
Genomic context (GRCh38, chr1:234,608,464, plus strand): 5'-CCCTTTTCTCCCCTAGACCCCCTCACTTCACAGCCGCCCCTACCTGCTTTAGACCCGTTG[G>T]CCCCGTTGGCCTCGAAACCCAACAACCTGCCTGCAGTCAGGGCCGGCTCCTTCTTAAACT-3'
Protein context (NP_892017.2, residues 334-354): GRLLGFEANG[Ala344Asp]NGSKAVARTA

ClinVar aggregate classification (germline): Uncertain significance (1 of 4 stars; one submission).

gnomAD v4.1: 60 of 1,587,720 alleles (0.0038%); highest among the groups gnomAD compares: Non-Finnish European, 0.005%; no homozygotes.

Submission:

Labcorp Genetics (formerly Invitae), Labcorp
Classification: Uncertain significance. Last evaluated: 2025-04-17. Review status: criteria provided, single submitter. Criteria: Invitae Variant Classification Sherloc (09022015). Collection method: clinical testing. Allele origin: germline.
Comment: This sequence change replaces alanine, which is neutral and non-polar, with aspartic acid, which is acidic and polar, at codon 344 of the IRF2BP2 protein (p.Ala344Asp). This variant is present in population databases (rs750307667, gnomAD 0.002%). This variant has not been reported in the literature in individuals affected with IRF2BP2-related conditions. An algorithm developed to predict the effect of missense changes on protein structure and function (PolyPhen-2) suggests that this variant is likely to be disruptive. In summary, the available evidence is currently insufficient to determine the role of this variant in disease. Therefore, it has been classified as a Variant of Uncertain Significance.